The following is an entry in ClinVar:

NM_003673.4(TCAP):c.-20A>G

Gene: TCAP (titin-cap; plus strand). Cytogenetic location: 17q12.
Variant type: single nucleotide variant.
Coding change: c.-20A>G on transcript NM_003673.4 (MANE Select); 20 bases upstream of the start codon, A replaced by G.
Genome position (GRCh38, 1-based): chr17:39,665,340, A>G. VCF-style: chr17-39665340-A-G. GRCh37 (hg19) VCF-style: chr17-37821593-A-G.
Identifiers: ClinVar variation 4853799 (VCV004853799.1).
Genomic context (GRCh38, chr17:39,665,340, plus strand): 5'-GGCCGAAAATAGCCCCTGGAGAAGGGGGAGGAGGGGGCTATTTAAAGGGCCTGGGAGGGG[A>G]GAGAGAATGAGGAGTGATCATGGCTACCTCAGAGCTGAGCTGCGAGGTGTCGGAGGAGAA-3'

ClinVar aggregate classification (germline): Uncertain significance (1 of 4 stars; one submission).

Submission:

Women's Health and Genetics/Laboratory Corporation of America, LabCorp
Classification: Uncertain significance. Last evaluated: 2026-05-19. Review status: criteria provided, single submitter. Criteria: LabCorp Variant Classification Summary - May 2015. Collection method: clinical testing. Allele origin: germline.
Comment: Variant summary: TCAP c.-20A>G is located in the untranscribed region upstream of the TCAP gene region. The variant allele was found at a frequency of 3.7e-06 in 1601282 control chromosomes in the gnomAD database (v4.1 dataset). The available data on variant occurrences in the general population are insufficient to allow any conclusion about variant significance. To our knowledge, no occurrence of c.-20A>G in individuals affected with TCAP-related conditions and no experimental evidence demonstrating its impact on protein function have been reported. No submitters have cited clinical-significance assessments for this variant to ClinVar. Based on the evidence outlined above, the variant was classified as uncertain significance.